The following is an entry in ClinVar:

NM_004817.4(TJP2):c.652G>A (p.Gly218Ser)

Gene: TJP2 (tight junction protein 2; plus strand). Cytogenetic location: 9q21.11.
Variant type: single nucleotide variant.
Coding change: c.652G>A on transcript NM_004817.4 (MANE Select); coding-DNA position 652, G replaced by A.
Protein change: p.Gly218Ser; replaces glycine 218 with serine.
Molecular consequence: missense variant.
Genome position (GRCh38, 1-based): chr9:69,221,196, G>A. VCF-style: chr9-69221196-G-A. GRCh37 (hg19) VCF-style: chr9-71836112-G-A.
Other names: c.583G>A, p.Gly195Ser (NM_001170414.2, NM_001369870.1, NM_001369871.1); c.664G>A, p.Gly222Ser (NM_001170415.1, NM_001369874.1, NM_001369875.1); c.745G>A, p.Gly249Ser (NM_001170416.2); c.652G>A, p.Gly218Ser (NM_001369872.1, NM_001369873.1, NM_201629.3); short protein forms G222S, G195S, G249S, G218S.
Identifiers: ClinVar variation 4795685 (VCV004795685.1).

ClinVar aggregate classification (germline): Uncertain significance (1 of 4 stars; one submission).

Submission:

GeneDx
Classification: Uncertain significance. Last evaluated: 2025-08-13. Review status: criteria provided, single submitter. Criteria: GeneDx Variant Classification Process June 2021. Collection method: clinical testing. Allele origin: germline. Affected: yes.
Comment: Not observed at significant frequency in large population cohorts (gnomAD); In silico analysis suggests that this missense variant does not alter protein structure/function; Has not been previously published as pathogenic or benign to our knowledge